The following is an entry in ClinVar:

ClinVar aggregate classification (germline): Conflicting classifications of pathogenicity. Review status: criteria provided, conflicting classifications (1 of 4 stars). 8 submissions from 8 submitters: Uncertain significance (1); Likely benign (6). 1 of the submissions does not count toward it. Last evaluated 2026-07-01.

Conditions:
Glycogen storage disease, type II (IOPD). Also called: Glucosidase acid-1,4-alpha deficiency; Pompe Disease; GLYCOGENOSIS, GENERALIZED, CARDIAC FORM; GSD II; Glycogen storage disease type 2; Acid maltase deficiency disease. Identifiers: Orphanet 365, MedGen C0017921, MONDO:0009290, OMIM 232300.
GAA-related disorder. Also called: GAA-related condition.

Allele frequency attached by ClinVar (database versions not stated): gnomAD 0.00006; TOPMed 0.00017; ESP Exome Variant Server 0.00023.

Submissions (8):

Genomenon, Inc
Classification: Uncertain significance for Glycogen storage disease, type II. Last evaluated: 2026-07-01. Review status: criteria provided, single submitter. Criteria: Genomenon Sequence Variant Interpretation Standards - Updated. Collection method: curation. Allele origin: germline. Affected: yes.
Comment: GAA c.1195-15G>A is an intronic variant located in the acceptor splice region of intron 7. This variant has been observed in at least one proband with a GAA-related disorder (PMID:17573812). It is absent or not present at a significant frequency in gnomAD. In silico models predict that this variant is not damaging. In conclusion, we classify GAA c.1195-15G>A as a variant of uncertain significance.

Labcorp Genetics (formerly Invitae), Labcorp
Classification: Likely benign for Glycogen storage disease, type II. Last evaluated: 2026-01-25. Review status: criteria provided, single submitter. Criteria: Invitae Variant Classification Sherloc (09022015). Collection method: clinical testing. Allele origin: germline.

Mayo Clinic Laboratories, Mayo Clinic
Classification: Likely benign. Last evaluated: 2025-09-15. Review status: criteria provided, single submitter. Criteria: ACMG Guidelines, 2015. Collection method: clinical testing. Allele origin: germline. Observed: 1 variant allele.
Comment: BP4, BP7

Women's Health and Genetics/Laboratory Corporation of America, LabCorp
Classification: Likely benign. Last evaluated: 2025-01-08. Review status: criteria provided, single submitter. Criteria: LabCorp Variant Classification Summary - May 2015. Collection method: clinical testing. Allele origin: germline.
Comment: Variant summary: GAA c.1195-15G>A alters a nucleotide located at a position not widely known to affect splicing. Consensus agreement among computation tools predict no significant impact on normal splicing. However, these predictions have yet to be confirmed by functional studies. The variant allele was found at a frequency of 0.00021 in 248530 control chromosomes in the gnomAD database, including 1 homozygote. This frequency is not significantly higher than estimated for a pathogenic variant in GAA causing Glycogen Storage Disease, Type 2 (Pompe Disease) (0.00021 vs 0.0042), allowing no conclusion about variant significance. c.1195-15G>A has been reported in the literature in at least one individual affected with Glycogen Storage Disease, Type 2 (Pompe Disease) (Muller-Felber_2007, Schoser_2007, Lim_2015). These reports do not provide unequivocal conclusions about association of the variant with Glycogen Storage Disease, Type 2 (Pompe Disease). To our knowledge, no experimental evidence demonstrating an impact on protein function has been reported. The following publications have been ascertained in the context of this evaluation (PMID: 25758767, 17643989, 17573812). ClinVar contains an entry for this variant (Variation ID: 325786). Based on the evidence outlined above, the variant was classified as likely benign.

Blueprint Genetics
Classification: Likely benign. Last evaluated: 2024-05-06. Review status: criteria provided, single submitter. Criteria: ACMG Guidelines, 2015. Collection method: clinical testing. Allele origin: germline.

Broad Center for Mendelian Genomics, Broad Institute of MIT and Harvard
Classification: Likely benign for Glycogen storage disease, type II. Last evaluated: 2020-01-22. Review status: criteria provided, single submitter. Criteria: ACMG Guidelines, 2015. Collection method: curation. Allele origin: germline. Inheritance: Autosomal recessive inheritance.
Comment: This variant has been identified in 0.263% (27/10254) of Ashkenazi Jewish chromosomes, including 1 homozygote, and 0.014% (5/35320) of Latino chromosomes by the Genome Aggregation Database (gnomAD; dbSNP rs373840229). Although this variant has been seen in the general population, its frequency is not high enough to rule out a pathogenic role. Computational prediction tools and conservation analyses suggest that this variant may not impact the protein, though this information is not predictive enough to rule out pathogenicity. However, novel synonymous variants supported by computational evidence without raised suspicion for an impact are likely benign (Richards 2015). In summary, although additional studies are required to fully establish its clinical significance, this variant is likely benign. ACMG/AMP Criteria applied: BP4, BP7 (Richards 2015).

GeneDx
Classification: Likely benign. Last evaluated: 2017-09-26. Review status: criteria provided, single submitter. Criteria: GeneDx Variant Classification (06012015). Collection method: clinical testing. Allele origin: germline. Affected: yes.
Comment: This variant is considered likely benign or benign based on one or more of the following criteria: it is a conservative change, it occurs at a poorly conserved position in the protein, it is predicted to be benign by multiple in silico algorithms, and/or has population frequency not consistent with disease.

PreventionGenetics, part of Exact Sciences
Classification: Likely benign for GAA-related condition. Last evaluated: 2021-10-25. Review status: no assertion criteria provided. Collection method: clinical testing. Allele origin: germline. Not counted in ClinVar's aggregate classification.
Comment: This variant is classified as likely benign based on ACMG/AMP sequence variant interpretation guidelines (Richards et al. 2015 PMID: 25741868, with internal and published modifications).

Literature cited by the submitters: PubMed 17573812 (cited by Genomenon, Inc and Women's Health and Genetics/Laboratory Corporation of America, LabCorp); PubMed 17643989 (cited by Mayo Clinic Laboratories, Mayo Clinic and Women's Health and Genetics/Laboratory Corporation of America, LabCorp); PubMed 25758767 (cited by Women's Health and Genetics/Laboratory Corporation of America, LabCorp).

NM_000152.5(GAA):c.1195-15G>A

Gene: GAA (alpha glucosidase; plus strand). Cytogenetic location: 17q25.3.
Variant type: single nucleotide variant.
Coding change: c.1195-15G>A on transcript NM_000152.5 (MANE Select); 15 bases into the intron before coding-DNA position 1195, G replaced by A.
Molecular consequence: intron variant.
Genome position (GRCh38, 1-based): chr17:80,108,682, G>A. VCF-style: chr17-80108682-G-A. GRCh37 (hg19) VCF-style: chr17-78082481-G-A.
Other names: p.?; c.1195-15G>A (LRG_673t1, NM_001079803.3, NM_001079804.3).
Identifiers: ClinVar variation 325786 (VCV000325786.25), dbSNP rs373840229, ClinGen allele CA8815225.